The following is an entry in ClinVar:

ClinVar aggregate classification (germline): Likely benign. Review status: criteria provided, multiple submitters, no conflicts (2 of 4 stars). 2 submissions from 2 submitters: Likely benign (2). Last evaluated 2024-11-11.

Allele frequency attached by ClinVar (database versions not stated): ExAC 0.00110; gnomAD 0.00116 and 0.00120; 1000 Genomes Project 30x 0.00265; 1000 Genomes Project 0.00379.
gnomAD v4.1: 1,880 of 1,601,126 alleles (0.12%); highest among the groups gnomAD compares: African/African-American, 0.33%; no homozygotes.

Submissions (2):

Blueprint Genetics
Classification: Likely benign. Last evaluated: 2024-11-11. Review status: criteria provided, single submitter. Criteria: ACMG Guidelines, 2015. Collection method: clinical testing. Allele origin: germline.

Institute for Genomic Medicine (IGM) Clinical Laboratory, Nationwide Children's Hospital
Classification: Likely benign. Last evaluated: 2017-07-17. Review status: criteria provided, single submitter. Criteria: ACMG Guidelines, 2015. Collection method: clinical testing. Allele origin: germline.
Comment: BS1, BP1, BP4; This alteration has an allele frequency that is greater than expected for the associated disease, is a missense alteration in a gene for which primarily truncating variants are known to cause disease, and is predicted to be tolerated by multiple functional prediction tools.

NM_002016.2(FLG):c.8486G>A (p.Arg2829His)

Genes: CCDST (cervical cancer associated DHX9 suppressive transcript; plus strand), FLG (filaggrin; minus strand). Cytogenetic location: 1q21.3.
Variant type: single nucleotide variant.
Coding change: c.8486G>A on transcript NM_002016.2 (MANE Select); coding-DNA position 8486, G replaced by A.
Protein change: p.Arg2829His; replaces arginine 2829 with histidine.
Molecular consequence: missense variant.
Genome position (GRCh38, 1-based): chr1:152,306,400, C>T on the plus strand (G>A on the coding strand, the complement: FLG is on the minus strand). VCF-style: chr1-152306400-C-T. GRCh37 (hg19) VCF-style: chr1-152278876-C-T.
Other names: short protein forms R2829H.
Identifiers: ClinVar variation 599456 (VCV000599456.7), dbSNP rs140749305, ClinGen allele CA1104216.